The following is an entry in ClinVar:

ClinVar aggregate classification (germline): Uncertain significance (1 of 4 stars; one submission).

Submission:

Labcorp Genetics (formerly Invitae), Labcorp
Classification: Uncertain significance. Last evaluated: 2022-07-05. Review status: criteria provided, single submitter. Criteria: Invitae Variant Classification Sherloc (09022015). Collection method: clinical testing. Allele origin: germline.
Comment: This variant results in a copy number gain of the genomic region encompassing exon(s) 9-11 of the NDUFAF5 gene. This region includes the termination codon of the gene. This copy number gain extends beyond the assayed region for this gene and therefore may encompass additional genes. As the precise location of this event is unknown, it may be in tandem or it may be located elsewhere in the genome. This variant has not been reported in the literature in individuals affected with NDUFAF5-related conditions. In summary, the available evidence is currently insufficient to determine the role of this variant in disease. Therefore, it has been classified as a Variant of Uncertain Significance.

NC_000020.10:g.(?_13795054)_(13799077_?)dup

Gene: NDUFAF5 (NADH:ubiquinone oxidoreductase complex assembly factor 5; plus strand). Cytogenetic location: 20p12.1.
Variant type: Duplication.
Identifiers: ClinVar variation 2426809 (VCV002426809.3).